The following is an entry in ClinVar:

ClinVar aggregate classification (germline): Uncertain significance (1 of 4 stars; one submission).

Allele frequency attached by ClinVar (database versions not stated): TOPMed below 0.00001; ExAC 0.00001; gnomAD exomes 0.00001; gnomAD 0.00002.
gnomAD v4.1: 10 of 1,612,748 alleles (0.00062%); highest among the groups gnomAD compares: African/African-American, 0.0027%; no homozygotes.

Submission:

Laboratory for Molecular Medicine, Mass General Brigham Personalized Medicine
Classification: Uncertain significance. Last evaluated: 2013-08-01. Review status: criteria provided, single submitter. Criteria: LMM Criteria. Collection method: clinical testing. Allele origin: germline. Observed: 2 variant alleles.
Comment: The p.Gly1491Ser variant in TECTA has not been reported in individuals with hear ing loss or in large population studies. Computational prediction tools and con servation analyses do not provide strong support for or against an impact to the protein. In summary, the clinical significance of the p.Gly1491Ser variant is uncertain.

NM_005422.4(TECTA):c.4471G>A (p.Gly1491Ser)

Genes: TBCEL-TECTA (TBCEL-TECTA readthrough; plus strand), TECTA (tectorin alpha; plus strand). Cytogenetic location: 11q23.3.
Variant type: single nucleotide variant.
Coding change: c.4471G>A on transcript NM_005422.4 (MANE Select); coding-DNA position 4471, G replaced by A.
Protein change: p.Gly1491Ser; replaces glycine 1491 with serine.
Molecular consequence: missense variant.
Genome position (GRCh38, 1-based): chr11:121,158,006, G>A. VCF-style: chr11-121158006-G-A. GRCh37 (hg19) VCF-style: chr11-121028715-G-A.
Other names: c.5428G>A, p.Gly1810Ser (NM_001378761.1); short protein forms G1491S, G1810S.
Identifiers: ClinVar variation 165365 (VCV000165365.5), dbSNP rs727503463, ClinGen allele CA178104.